The following is an entry in ClinVar:

NM_080759.6(DACH1):c.459T>C (p.Ser153=)

Gene: DACH1 (dachshund family transcription factor 1; minus strand). Cytogenetic location: 13q21.33.
Variant type: single nucleotide variant.
Coding change: c.459T>C on transcript NM_080759.6 (MANE Select); coding-DNA position 459, T replaced by C.
Protein change: p.Ser153=; no amino-acid change (serine 153 retained).
Molecular consequence: synonymous variant.
Genome position (GRCh38, 1-based): chr13:71,866,311, A>G on the plus strand (T>C on the coding strand, the complement: DACH1 is on the minus strand). VCF-style: chr13-71866311-A-G. GRCh37 (hg19) VCF-style: chr13-72440443-A-G.
Other names: c.459T>C, p.Ser153= (NM_001366712.1, NM_004392.7, NM_080760.6).
Identifiers: ClinVar variation 3904906 (VCV003904906.10).
Genomic context (GRCh38, chr13:71,866,311, plus strand): 5'-GTACACGGGTTTCCCGGGGAGGGGGCCGCAGCTGCTGCTGCTACTGCTGCTGCTGCTACT[A>G]CTGCTGCTGCTGCTGCTGCTGCTACTGCTGCTGCTGCTGCTGCCGGTGCTGGCGTTGATG-3'
Protein context (NP_542937.3, residues 143-163): SSSSSSSSSS[Ser153=]SSSSSSSSSS

ClinVar aggregate classification (germline): Likely benign (1 of 4 stars; one submission).

gnomAD v4.1: 127 of 1,541,618 alleles (0.0082%); highest among the groups gnomAD compares: South Asian, 0.013%; no homozygotes.

Submission:

CeGaT Center for Human Genetics Tuebingen
Classification: Likely benign. Last evaluated: 2025-06-01. Review status: criteria provided, single submitter. Criteria: CeGaT Center For Human Genetics Tuebingen Variant Classification Criteria Version 2. Collection method: clinical testing. Allele origin: germline. Affected: yes. Observed: 1 variant allele.
Comment: DACH1: BP4, BP7